The following is an entry in ClinVar:

ClinVar aggregate classification (germline): Pathogenic (1 of 4 stars; one submission).

Submission:

GeneDx
Classification: Pathogenic. Last evaluated: 2025-04-02. Review status: criteria provided, single submitter. Criteria: GeneDx Variant Classification Process June 2021. Collection method: clinical testing. Allele origin: germline. Affected: yes.
Comment: Frameshift variant predicted to result in protein truncation or nonsense mediated decay in a gene for which loss of function is a known mechanism of disease; Not observed at significant frequency in large population cohorts (gnomAD); This variant is associated with the following publications: (PMID: 22408144)

NM_001195553.2(DCX):c.201del (p.Ile68fs)

Gene: DCX (doublecortin; minus strand). Cytogenetic location: Xq23.
Variant type: Deletion.
Coding change: c.201del on transcript NM_001195553.2 (MANE Select); coding-DNA position 201, one base deleted (G; older notation c.201delG).
Protein change: p.Ile68fs; shifts the reading frame from isoleucine 68.
Molecular consequence: frameshift variant.
Genome position (GRCh38, 1-based): chrX:111,410,198, C deleted on the plus strand (G on the coding strand, the reverse complement: DCX is on the minus strand); the first of 4 consecutive C bases (chrX:111,410,198-111,410,201); deleting any one gives the same sequence. VCF-style (leftmost placement, unchanged base first): chrX-111410197-TC-T. GRCh37 (hg19) VCF-style: chrX-110653425-TC-T.
Other names: c.444del, p.Ile149fs (NM_000555.3); c.201del, p.Ile68fs (NM_001369370.1, NM_001369371.1, NM_001369372.1 and 6 more transcripts); short protein forms I149fs, I68fs.
Identifiers: ClinVar variation 4278559 (VCV004278559.1).
Genomic context (GRCh38, chrX:111,410,197, plus strand): 5'-TCAGGTCAGCCAGCAAGGCGTCAAAGCTGCGAAAACGGTCAGAGGACACAGCGTACACAA[TC>T]CCCTTGAAGTAGCGGTCCCCATTGCGGTAGAAACGTACCTTCTTGGCTTTCTTCTCATTA-3'